The following is an entry in ClinVar:

ClinVar aggregate classification (germline): Uncertain significance (1 of 4 stars; one submission).

Allele frequency attached by ClinVar (database versions not stated): gnomAD exomes below 0.00001; TOPMed below 0.00001; gnomAD 0.00001.
gnomAD v4.1: 3 of 1,613,062 alleles (0.00019%); highest among the groups gnomAD compares: Non-Finnish European, 0.00025%; no homozygotes.

Submission:

Labcorp Genetics (formerly Invitae), Labcorp
Classification: Uncertain significance. Last evaluated: 2025-04-28. Review status: criteria provided, single submitter. Criteria: Invitae Variant Classification Sherloc (09022015). Collection method: clinical testing. Allele origin: germline.
Comment: This sequence change falls in intron 9 of the TUBGCP6 gene. It does not directly change the encoded amino acid sequence of the TUBGCP6 protein. This variant is not present in population databases (gnomAD no frequency). This variant has not been reported in the literature in individuals affected with TUBGCP6-related conditions. ClinVar contains an entry for this variant (Variation ID: 1362308). Algorithms developed to predict the effect of sequence changes on RNA splicing suggest that this variant may disrupt the consensus splice site. In summary, the available evidence is currently insufficient to determine the role of this variant in disease. Therefore, it has been classified as a Variant of Uncertain Significance.

NM_020461.4(TUBGCP6):c.1834-6T>G

Gene: TUBGCP6 (tubulin gamma complex component 6; minus strand). Cytogenetic location: 22q13.33.
Variant type: single nucleotide variant.
Coding change: c.1834-6T>G on transcript NM_020461.4 (MANE Select); 6 bases into the intron before coding-DNA position 1834, T replaced by G.
Molecular consequence: intron variant.
Genome position (GRCh38, 1-based): chr22:50,225,949, A>C on the plus strand (T>G on the coding strand, the complement: TUBGCP6 is on the minus strand). VCF-style: chr22-50225949-A-C. GRCh37 (hg19) VCF-style: chr22-50664378-A-C.
Identifiers: ClinVar variation 1362308 (VCV001362308.6), dbSNP rs2064601006, ClinGen allele CA1026640399.